The following is an entry in ClinVar:

NM_014714.4(IFT140):c.3016G>A (p.Glu1006Lys)

Genes: IFT140 (intraflagellar transport 140; minus strand), LOC126862260 (CDK7 strongly-dependent group 2 enhancer GRCh37_chr16:1574508-1575707; plus strand). Cytogenetic location: 16p13.3.
Variant type: single nucleotide variant.
Coding change: c.3016G>A on transcript NM_014714.4 (MANE Select); coding-DNA position 3016, G replaced by A.
Protein change: p.Glu1006Lys; replaces glutamic acid 1006 with lysine.
Molecular consequence: missense variant.
Genome position (GRCh38, 1-based): chr16:1,524,677, C>T on the plus strand (G>A on the coding strand, the complement: IFT140 is on the minus strand). VCF-style: chr16-1524677-C-T. GRCh37 (hg19) VCF-style: chr16-1574678-C-T.
Other names: short protein forms E1006K.
Identifiers: ClinVar variation 1469553 (VCV001469553.7), dbSNP rs375292299, ClinGen allele CA7813358.

ClinVar aggregate classification (germline): Uncertain significance. Review status: criteria provided, multiple submitters, no conflicts (2 of 4 stars). 2 submissions from 2 submitters: Uncertain significance (2). Last evaluated 2025-05-19.

Conditions:
Retinitis pigmentosa 80 (RP80). Identifiers: MedGen C4540439, MONDO:0054708, OMIM 617781.
Saldino-Mainzer syndrome (SRTD9). Also called: Renal dysplasia, retinal pigmentary dystrophy, cerebellar ataxia and skeletal dysplasia; CONORENAL SYNDROME; SHORT-RIB THORACIC DYSPLASIA 9 WITHOUT POLYDACTYLY; short-rib thoracic dysplasia 9 with or without polydactyly. Identifiers: Orphanet 140969, MedGen C1849437, MONDO:0009964, OMIM 266920.

Allele frequency attached by ClinVar (database versions not stated): gnomAD 0.00001 and 0.00002; TOPMed 0.00002; ESP Exome Variant Server 0.00008.
gnomAD v4.1: 14 of 1,576,100 alleles (0.00089%); highest among the groups gnomAD compares: African/African-American, 0.0081%; no homozygotes.

Submissions (2):

Labcorp Genetics (formerly Invitae), Labcorp
Classification: Uncertain significance for Saldino-Mainzer syndrome. Last evaluated: 2025-05-19. Review status: criteria provided, single submitter. Criteria: Invitae Variant Classification Sherloc (09022015). Collection method: clinical testing. Allele origin: germline.
Comment: This sequence change replaces glutamic acid, which is acidic and polar, with lysine, which is basic and polar, at codon 1006 of the IFT140 protein (p.Glu1006Lys). This variant is present in population databases (rs375292299, gnomAD 0.01%). This variant has not been reported in the literature in individuals affected with IFT140-related conditions. ClinVar contains an entry for this variant (Variation ID: 1469553). Invitae Evidence Modeling of protein sequence and biophysical properties (such as structural, functional, and spatial information, amino acid conservation, physicochemical variation, residue mobility, and thermodynamic stability) indicates that this missense variant is not expected to disrupt IFT140 protein function with a negative predictive value of 80%. In summary, the available evidence is currently insufficient to determine the role of this variant in disease. Therefore, it has been classified as a Variant of Uncertain Significance.

Fulgent Genetics
Classification: Uncertain significance for Saldino-Mainzer syndrome; Retinitis pigmentosa 80. Last evaluated: 2024-02-03. Review status: criteria provided, single submitter. Criteria: ACMG Guidelines, 2015. Collection method: clinical testing. Allele origin: germline.